The following is an entry in ClinVar:

NM_001206744.2(TPO):c.2578G>A (p.Gly860Arg)

Genes: LALTOP (lung cancer associated lncRNA targeting TOP2A; minus strand), TPO (thyroid peroxidase; plus strand). Cytogenetic location: 2p25.3.
Variant type: single nucleotide variant.
Coding change: c.2578G>A on transcript NM_001206744.2 (MANE Select); coding-DNA position 2578, G replaced by A.
Protein change: p.Gly860Arg; replaces glycine 860 with arginine.
Molecular consequence: missense variant.
Genome position (GRCh38, 1-based): chr2:1,516,942, G>A. VCF-style: chr2-1516942-G-A. GRCh37 (hg19) VCF-style: chr2-1520714-G-A.
Other names: c.2578G>A, p.Gly860Arg (NM_000547.6); c.2407G>A, p.Gly803Arg (NM_001206745.2, NM_175719.4); c.2446G>A, p.Gly816Arg (NM_175721.3); c.2059G>A, p.Gly687Arg (NM_175722.3); short protein forms G687R, G803R, G816R, G860R.
Identifiers: ClinVar variation 1254323 (VCV001254323.16), dbSNP rs556552435, ClinGen allele CA1512194.

ClinVar aggregate classification (germline): Pathogenic/Likely pathogenic. Review status: criteria provided, multiple submitters, no conflicts (2 of 4 stars). 8 submissions from 8 submitters: Pathogenic (5); Likely pathogenic (3). Last evaluated 2024-02-01.

Conditions:
Deficiency of iodide peroxidase (TDH2A). Also called: HYPOTHYROIDISM, CONGENITAL, DUE TO DYSHORMONOGENESIS, 2A; IODIDE PEROXIDASE DEFICIENCY; THYROID HORMONOGENESIS, GENETIC DEFECT IN, 2A; THYROID PEROXIDASE DEFICIENCY; Thyroid dyshormonogenesis 2A. Identifiers: Orphanet 95716, MedGen C1291299, MONDO:0010133, OMIM 274500.

Allele frequency attached by ClinVar (database versions not stated): gnomAD 0.00001; TOPMed 0.00003; 1000 Genomes Project 30x 0.00016; 1000 Genomes Project 0.00020; ExAC 0.00002; gnomAD exomes 0.00003.
gnomAD v4.1: 41 of 1,613,974 alleles (0.0025%); highest among the groups gnomAD compares: South Asian, 0.012%; no homozygotes.

Submissions (8):

Labcorp Genetics (formerly Invitae), Labcorp
Classification: Likely pathogenic. Last evaluated: 2024-02-01. Review status: criteria provided, single submitter. Criteria: Invitae Variant Classification Sherloc (09022015). Collection method: clinical testing. Allele origin: germline.
Comment: This sequence change replaces glycine, which is neutral and non-polar, with arginine, which is basic and polar, at codon 860 of the TPO protein (p.Gly860Arg). This variant is present in population databases (rs556552435, gnomAD 0.006%). This missense change has been observed in individuals with congenital hypothyroidism and/or thyroid dyshormonogenesis (PMID: 21900383, 22919382, 29650690, 31867598, 174668186). ClinVar contains an entry for this variant (Variation ID: 1254323). An algorithm developed to predict the effect of missense changes on protein structure and function (PolyPhen-2) suggests that this variant is likely to be disruptive. Experimental studies have shown that this missense change affects TPO function (PMID: 21900383, 32088313). In summary, the currently available evidence indicates that the variant is pathogenic, but additional data are needed to prove that conclusively. Therefore, this variant has been classified as Likely Pathogenic.

Women's Health and Genetics/Laboratory Corporation of America, LabCorp
Classification: Pathogenic for Deficiency of iodide peroxidase. Last evaluated: 2023-10-03. Review status: criteria provided, single submitter. Criteria: LabCorp Variant Classification Summary - May 2015. Collection method: clinical testing. Allele origin: germline.
Comment: Variant summary: TPO c.2578G>A (p.Gly860Arg) results in a non-conservative amino acid change in the encoded protein sequence. Three of five in-silico tools predict a benign effect of the variant on protein function. The variant allele was found at a frequency of 5.6e-05 in 359470 control chromosomes (gnomAD, jMorp databases (Tadaka_2021)). This frequency is not significantly higher than estimated for a pathogenic variant in TPO causing Deficiency Of Iodide Peroxidase (5.6e-05 vs 0.0071), allowing no conclusion about variant significance. c.2578G>A has been reported in the literature in both compound heterozygous and homozygous individuals affected with Deficiency Of Iodide Peroxidase (e.g., Avbelj_2007, Narumi_2011, Zhang_2020, Hashemipour_2012). These data indicate that the variant is likely to be associated with disease. At least two publications report experimental evidence evaluating an impact on protein function (e.g., Narumi_2011, Zhang_2020). The most pronounced variant effect results in <10% of normal enzymatic activity. The following publications have been ascertained in the context of this evaluation (PMID: 17468186, 22919382, 21900383, 32088313, 33179747). Four submitters have reported clinical-significance assessments for this variant to ClinVar after 2014. All submitters classified the variant as pathogenic/likely pathogenic. Based on the evidence outlined above, the variant was classified as pathogenic.

GeneDx
Classification: Pathogenic. Last evaluated: 2023-09-06. Review status: criteria provided, single submitter. Criteria: GeneDx Variant Classification Process June 2021. Collection method: clinical testing. Allele origin: germline. Affected: yes.
Comment: Published functional studies demonstrate a damaging effect resulting in a nonfunctional protein and markedly reduced H202-producing activity (Narumi et al., 2011); In silico analysis supports that this missense variant has a deleterious effect on protein structure/function; Also described as c.2669 G>A; This variant is associated with the following publications: (PMID: 34200080, 29650690, 32088313, 22919382, 21900383, 28867693, 28176629, 29790453, 32425884, 31867598, 17468186, 27535533)

Greenwood Genetic Center Diagnostic Laboratories, Greenwood Genetic Center
Classification: Pathogenic for Deficiency of iodide peroxidase. Last evaluated: 2022-06-15. Review status: criteria provided, single submitter. Criteria: ACMG Guidelines, 2015. Collection method: clinical testing. Allele origin: germline. Affected: yes.
Comment: PS3 PM3_Strong PM1

Fulgent Genetics
Classification: Likely pathogenic for Deficiency of iodide peroxidase. Last evaluated: 2021-10-13. Review status: criteria provided, single submitter. Criteria: ACMG Guidelines, 2015. Collection method: clinical testing. Allele origin: unknown.

Revvity Omics, Revvity
Classification: Likely pathogenic. Last evaluated: 2021-08-16. Review status: criteria provided, single submitter. Criteria: ACMG Guidelines, 2015. Collection method: clinical testing. Allele origin: germline.

Clinical Genetics Service, Universitary Hospital 12 de Octubre
Classification: Pathogenic for Deficiency of iodide peroxidase. Review status: criteria provided, single submitter. Criteria: ACMG Guidelines, 2015. Collection method: clinical testing. Allele origin: maternal. Affected: yes.

Neuberg Centre For Genomic Medicine, NCGM
Classification: Pathogenic for Deficiency of iodide peroxidase. Review status: criteria provided, single submitter. Criteria: ACMG Guidelines, 2015. Collection method: clinical testing. Allele origin: germline. Inheritance: Autosomal recessive inheritance. Affected: yes.

Literature cited by the submitters: PubMed 21900383 (cited by Labcorp Genetics (formerly Invitae), Labcorp and Women's Health and Genetics/Laboratory Corporation of America, LabCorp); PubMed 22919382 (cited by Labcorp Genetics (formerly Invitae), Labcorp and Women's Health and Genetics/Laboratory Corporation of America, LabCorp); PubMed 29650690 (cited by Labcorp Genetics (formerly Invitae), Labcorp); PubMed 31867598 (cited by Labcorp Genetics (formerly Invitae), Labcorp); PubMed 174668186 (cited by Labcorp Genetics (formerly Invitae), Labcorp); PubMed 32088313 (cited by Labcorp Genetics (formerly Invitae), Labcorp and Women's Health and Genetics/Laboratory Corporation of America, LabCorp); PubMed 33179747 (cited by Women's Health and Genetics/Laboratory Corporation of America, LabCorp); PubMed 17468186 (cited by Women's Health and Genetics/Laboratory Corporation of America, LabCorp).